The following is an entry in ClinVar:

NC_012920.1(MT-RNR1):m.954C>T

Gene: MT-RNR1 (mitochondrially encoded 12S RNA; plus strand).
Variant type: single nucleotide variant.
Genome position: chrM-954-C-T.
Identifiers: ClinVar variation 517632 (VCV000517632.4), dbSNP rs1556422496, ClinGen allele CA658799927.

ClinVar aggregate classification (germline): Benign (1 of 4 stars; one submission).

Submission:

Laboratory for Molecular Medicine, Mass General Brigham Personalized Medicine
Classification: Benign. Last evaluated: 2017-11-27. Review status: criteria provided, single submitter. Criteria: LMM Criteria. Collection method: clinical testing. Allele origin: germline. Observed: 1 variant allele.
Comment: m.954C>T in MTRNR1: This variant is not expected to have clinical significance b ecause it has been identified in 48% (6/14) of the L2e haplogroup in MitoMap.

Literature cited by the submitters: PubMed 16406239.